The following is an entry in ClinVar:

ClinVar aggregate classification (germline): Uncertain significance (1 of 4 stars; one submission).

Conditions:
Inborn genetic diseases. Identifiers: MedGen C0950123, MeSH D030342.

Submission:

Ambry Genetics
Classification: Uncertain significance for Inborn genetic diseases. Last evaluated: 2026-02-24. Review status: criteria provided, single submitter. Criteria: Ambry Variant Classification Scheme 2023. Collection method: clinical testing. Allele origin: germline.
Comment: The p.S298T variant (also known as c.893G>C), located in coding exon 9 of the CEP57 gene, results from a G to C substitution at nucleotide position 893. The serine at codon 298 is replaced by threonine, an amino acid with similar properties. This amino acid position is conserved. In addition, this alteration is predicted to be tolerated by in silico analysis. Based on the available evidence, the clinical significance of this variant remains unclear.

NM_014679.5(CEP57):c.893G>C (p.Ser298Thr)

Gene: CEP57 (centrosomal protein 57; plus strand). Cytogenetic location: 11q21.
Variant type: single nucleotide variant.
Coding change: c.893G>C on transcript NM_014679.5 (MANE Select); coding-DNA position 893, G replaced by C.
Protein change: p.Ser298Thr; replaces serine 298 with threonine.
Molecular consequence: missense variant.
Genome position (GRCh38, 1-based): chr11:95,827,793, G>C. VCF-style: chr11-95827793-G-C. GRCh37 (hg19) VCF-style: chr11-95560957-G-C.
Other names: c.668G>C, p.Ser223Thr (NM_001440879.1); c.632G>C, p.Ser211Thr (NM_001440880.1); c.596G>C, p.Ser199Thr (NM_001440881.1); c.590G>C, p.Ser197Thr (NM_001440882.1); c.866G>C, p.Ser289Thr (NM_001243776.2); c.815G>C, p.Ser272Thr (NM_001243777.2); c.812G>C, p.Ser271Thr (NM_001363604.2, NM_001440869.1, NM_001440870.1); c.785G>C, p.Ser262Thr (NM_001440871.1); and 6 more; short protein forms S211T, S223T, S232T, S233T, S235T, S238T, S262T, S289T.
Identifiers: ClinVar variation 4826381 (VCV004826381.1).